The following is an entry in ClinVar:

NM_001042475.3(CEP85L):c.2378G>A (p.Arg793His)

Gene: CEP85L (centrosomal protein 85L; minus strand). Cytogenetic location: 6q22.31.
Variant type: single nucleotide variant.
Coding change: c.2378G>A on transcript NM_001042475.3 (MANE Select); coding-DNA position 2378, G replaced by A.
Protein change: p.Arg793His; replaces arginine 793 with histidine.
Molecular consequence: missense variant.
Genome position (GRCh38, 1-based): chr6:118,465,445, C>T on the plus strand (G>A on the coding strand, the complement: CEP85L is on the minus strand). VCF-style: chr6-118465445-C-T. GRCh37 (hg19) VCF-style: chr6-118786608-C-T.
Other names: c.2387G>A, p.Arg796His (NM_001178035.2); short protein forms R796H, R793H.
Identifiers: ClinVar variation 5034397 (VCV005034397.1).
Genomic context (GRCh38, chr6:118,465,445, plus strand): 5'-GCTGTGGGACTAACACTTGATCACTGAGTAATGCAGTTGTCTCCCATGTCCTGAGCATAG[C>T]GGTCTGATATTGTAGTCCTTAATTCATCAATGTCTCTTCGTAACTGGCACACATCTGACA-3'
Protein context (NP_001035940.1, residues 783-803): IDELRTTISD[Arg793His]YAQDMGDNCI

ClinVar aggregate classification (germline): Uncertain significance (1 of 4 stars; one submission).

Conditions:
Inborn genetic diseases. Identifiers: MedGen C0950123, MeSH D030342.

gnomAD v4.1: 1 of 1,613,426 alleles (0.000062%); highest among the groups gnomAD compares: South Asian, 0.0011%; no homozygotes.

Submission:

Ambry Genetics
Classification: Uncertain significance for Inborn genetic diseases. Last evaluated: 2026-09-02. Review status: criteria provided, single submitter. Criteria: Ambry Variant Classification Scheme 2023. Collection method: clinical testing. Allele origin: germline.
Comment: The c.2378G>A (p.R793H) alteration is located in exon 13 (coding exon 13) of the CEP85L gene. This alteration results from a G to A substitution at nucleotide position 2378, causing the arginine (R) at amino acid position 793 to be replaced by a histidine (H). Based on data from gnomAD, the A allele has an overall frequency of 0.001% (2/249184) total alleles studied. The highest observed frequency was 0.011% (2/17970) of East Asian alleles. Based on insufficient or conflicting evidence, the clinical significance of this alteration remains unclear.